The following is an entry in ClinVar:

ClinVar aggregate classification (germline): Benign. Review status: criteria provided, multiple submitters, no conflicts (2 of 4 stars). 3 submissions from 3 submitters: Benign (3). Last evaluated 2024-07-31.

Allele frequency attached by ClinVar (database versions not stated): gnomAD exomes 0.24616; gnomAD 0.29227 and 0.29377; TOPMed 0.30482; 1000 Genomes Project 0.35184; 1000 Genomes Project 30x 0.35369.
gnomAD v4.1: 156,853 of 606,208 alleles (26%); highest among the groups gnomAD compares: East Asian, 45%; 22,221 homozygotes.

Submissions (3):

Unidad de Genómica Garrahan, Hospital de Pediatría Garrahan
Classification: Benign. Last evaluated: 2024-07-31. Review status: criteria provided, single submitter. Criteria: ACMG Guidelines, 2015. Collection method: clinical testing. Allele origin: germline. Affected: no. Observed: 24 variant alleles.
Comment: This variant is classified as Benign based on local population frequency. This variant was detected in 26% of patients studied in a panel designed for Epileptic and Developmental Encephalopathy, Progressive Myoclonus Epilepsy and Abnormal Movements and Neurodegeneration with brain iron accumulation. Number of patients: 24. Only high quality variants are reported.

GeneDx
Classification: Benign. Last evaluated: 2018-06-14. Review status: criteria provided, single submitter. Criteria: GeneDx Variant Classification (06012015). Collection method: clinical testing. Allele origin: germline. Affected: yes.
Comment: This variant is considered likely benign or benign based on one or more of the following criteria: it is a conservative change, it occurs at a poorly conserved position in the protein, it is predicted to be benign by multiple in silico algorithms, and/or has population frequency not consistent with disease.

Breakthrough Genomics
Classification: Benign. Review status: criteria provided, single submitter. Criteria: ACMG Guidelines, 2015. Collection method: not provided. Allele origin: germline. Inheritance: Autosomal dominant inheritance. Affected: yes.

NM_001127222.2(CACNA1A):c.1556-93T>A

Gene: CACNA1A (calcium voltage-gated channel subunit alpha1 A; minus strand). Cytogenetic location: 19p13.13.
Variant type: single nucleotide variant.
Coding change: c.1556-93T>A on transcript NM_001127222.2 (MANE Select); 93 bases into the intron before coding-DNA position 1556, T replaced by A.
Molecular consequence: intron variant.
Genome position (GRCh38, 1-based): chr19:13,312,874, A>T on the plus strand (T>A on the coding strand, the complement: CACNA1A is on the minus strand). VCF-style: chr19-13312874-A-T. GRCh37 (hg19) VCF-style: chr19-13423688-A-T.
Other names: c.1559-93T>A (NM_001127221.2, NM_001174080.2, NM_000068.4 and 1 more transcripts).
Identifiers: ClinVar variation 678174 (VCV000678174.4), dbSNP rs10407951, ClinGen allele CA15959248.